The following is an entry in ClinVar:

NM_001267550.2(TTN):c.15921C>A (p.Tyr5307Ter)

Gene: TTN (titin; minus strand). Cytogenetic location: 2q31.2.
Variant type: single nucleotide variant.
Coding change: c.15921C>A on transcript NM_001267550.2 (MANE Select); coding-DNA position 15921, C replaced by A.
Protein change: p.Tyr5307Ter; replaces tyrosine 5307 with a stop codon.
Molecular consequence: nonsense. On other transcripts: intron variant (3).
Genome position (GRCh38, 1-based): chr2:178,733,372, G>T on the plus strand (C>A on the coding strand, the complement: TTN is on the minus strand). VCF-style: chr2-178733372-G-T. GRCh37 (hg19) VCF-style: chr2-179598099-G-T.
Other names: c.14970C>A, p.Tyr4990Ter (NM_001256850.1); c.12189C>A, p.Tyr4063Ter (NM_133378.4); c.13282+4710C>A (NM_003319.4); c.13858+4710C>A (NM_133437.4); c.13657+4710C>A (NM_133432.3); short protein forms Y4063*, Y4990*, Y5307*.
Identifiers: ClinVar variation 3751589 (VCV003751589.2).

ClinVar aggregate classification (germline): Likely pathogenic (1 of 4 stars; one submission).

Conditions:
Autosomal recessive limb-girdle muscular dystrophy type 2J (LGMDR10). Also called: Limb-girdle muscular dystrophy, type 2J; MUSCULAR DYSTROPHY, LIMB-GIRDLE, AUTOSOMAL RECESSIVE 10. Identifiers: Orphanet 140922, MedGen C1837342, MONDO:0012127, OMIM 608807.
Dilated cardiomyopathy 1G (CMD1G). Identifiers: Orphanet 154, MedGen C1858763, MONDO:0011400, OMIM 604145.

Submission:

Labcorp Genetics (formerly Invitae), Labcorp
Classification: Likely pathogenic for Dilated cardiomyopathy 1G; Autosomal recessive limb-girdle muscular dystrophy type 2J. Last evaluated: 2024-10-18. Review status: criteria provided, single submitter. Criteria: Invitae Variant Classification Sherloc (09022015). Collection method: clinical testing. Allele origin: germline.
Comment: This sequence change creates a premature translational stop signal (p.Tyr5307*) in the TTN gene. While this is not anticipated to result in nonsense mediated decay, it is expected to create a truncated TTN protein. This variant is not present in population databases (gnomAD no frequency). This variant has not been reported in the literature in individuals affected with TTN-related conditions. Algorithms developed to predict the effect of sequence changes on RNA splicing suggest that this variant may disrupt the consensus splice site. This variant is located in the I band of TTN (PMID: 25589632). Truncating variants in this region have been reported in individuals affected with autosomal recessive centronuclear myopathy (PMID: 23975875, internal data). Truncating variants in this region have also been identified in individuals affected with autosomal dominant dilated cardiomyopathy and/or cardio-related conditions (PMID: 27869827, 32964742, internal data). In summary, the currently available evidence indicates that the variant is pathogenic, but additional data are needed to prove that conclusively. Therefore, this variant has been classified as Likely Pathogenic.

Literature cited by the submitters: PubMed 25589632; PubMed 23975875; PubMed 27869827; PubMed 32964742.